The following is an entry in ClinVar:

NM_021252.5(RAB18):c.*2744C>T

Gene: RAB18 (RAB18, member RAS oncogene family; plus strand). Cytogenetic location: 10p12.1.
Variant type: single nucleotide variant.
Coding change: c.*2744C>T on transcript NM_021252.5 (MANE Select); 2744 bases downstream of the stop codon, C replaced by T.
Molecular consequence: 3 prime UTR variant. On other transcripts: non-coding transcript variant (1).
Genome position (GRCh38, 1-based): chr10:27,540,795, C>T. VCF-style: chr10-27540795-C-T. GRCh37 (hg19) VCF-style: chr10-27829724-C-T.
Other names: c.*2744C>T (NM_001256410.2, NM_001256412.2); c.*2704C>T (NM_001256411.2).
Identifiers: ClinVar variation 299859 (VCV000299859.5), dbSNP rs12254670, ClinGen allele CA5452552.
Genomic context (GRCh38, chr10:27,540,795, plus strand): 5'-GGGGTGATGTTTTCATTTCATGTATTTGATTGCCATCCATAAACTCATACTTGGTGTTGA[C>T]ATTCTAGCTGAGTGTTGTGGAAATAGACTTGATTTTGATTCATCGTAGCTTGCATGGTCA-3'

ClinVar aggregate classification (germline): Benign (1 of 4 stars; one submission).

Conditions:
Warburg micro syndrome 3 (WARBM3). Also called: MICRO SYNDROME 3. Identifiers: Orphanet 2510, MedGen C3280203, MONDO:0013638, OMIM 614222.

Allele frequency attached by ClinVar (database versions not stated): ExAC 0.00195; gnomAD exomes 0.00498 and 0.00812; gnomAD 0.03697 and 0.03950; TOPMed 0.04145; 1000 Genomes Project 0.04393; 1000 Genomes Project 30x 0.04934.
gnomAD v4.1: 7,138 of 454,028 alleles (1.6%); highest among the groups gnomAD compares: African/African-American, 13%; 404 homozygotes.

Submission:

Illumina Laboratory Services, Illumina
Classification: Benign for Warburg micro syndrome 3. Last evaluated: 2018-01-13. Review status: criteria provided, single submitter. Criteria: ICSL Variant Classification Criteria 13 December 2019. Collection method: clinical testing. Allele origin: germline.
Comment: This variant was observed in the ICSL laboratory as part of a predisposition screen in an ostensibly healthy population. It had not been previously curated by ICSL or reported in the Human Gene Mutation Database (HGMD: prior to June 1st, 2018), and was therefore a candidate for classification through an automated scoring system. Utilizing variant allele frequency, disease prevalence and penetrance estimates, and inheritance mode, an automated score was calculated to assess if this variant is too frequent to cause the disease. Based on the score and internal cut-off values, a variant classified as benign is not then subjected to further curation. The score for this variant resulted in a classification of benign for this disease.